The following is an entry in ClinVar:

ClinVar aggregate classification (germline): Uncertain significance (1 of 4 stars; one submission).

Submission:

GeneDx
Classification: Uncertain significance. Last evaluated: 2025-07-15. Review status: criteria provided, single submitter. Criteria: GeneDx Variant Classification Process June 2021. Collection method: clinical testing. Allele origin: germline. Affected: yes.
Comment: Not observed at significant frequency in large population cohorts (gnomAD); Located in a region that tolerates variation and lacks pathogenic variants; Located in a regulatory region; in the absence of functional studies, the actual effect of this sequence change is unknown; Has not been previously published as pathogenic or benign to our knowledge

NM_003052.5(SLC34A1):c.*8del

Gene: SLC34A1 (solute carrier family 34 member 1; plus strand). Cytogenetic location: 5q35.3.
Variant type: Deletion.
Coding change: c.*8del on transcript NM_003052.5 (MANE Select); 8 bases downstream of the stop codon, one base deleted (G; older notation c.*8delG).
Molecular consequence: 3 prime UTR variant.
Genome position (GRCh38, 1-based): chr5:177,398,294, G deleted; the last of 3 consecutive G bases (chr5:177,398,292-177,398,294); deleting any one gives the same sequence. VCF-style (leftmost placement, unchanged base first): chr5-177398291-TG-T. GRCh37 (hg19) VCF-style: chr5-176825292-TG-T.
Identifiers: ClinVar variation 4686257 (VCV004686257.1).